The following is an entry in ClinVar:

ClinVar aggregate classification (germline): Uncertain significance. Review status: criteria provided, multiple submitters, no conflicts (2 of 4 stars). 2 submissions from 2 submitters: Uncertain significance (2). Last evaluated 2021-12-08.

Conditions:
Oligodontia-cancer predisposition syndrome. Also called: TOOTH AGENESIS-COLORECTAL CANCER SYNDROME. Identifiers: Orphanet 300576, MedGen C1837750, MONDO:0012075, OMIM 608615. Disease mechanism: loss of function.
Hereditary cancer-predisposing syndrome. Also called: Hereditary neoplastic syndrome; Neoplastic Syndromes, Hereditary; Tumor predisposition; Hereditary Cancer Syndrome. Identifiers: Orphanet 140162, MedGen C0027672, MeSH D009386, MONDO:0015356.

Allele frequency attached by ClinVar (database versions not stated): ExAC 0.00001.
gnomAD v4.1: 1 of 1,613,508 alleles (0.000062%); highest among the groups gnomAD compares: East Asian, 0.0022%; no homozygotes.

Submissions (2):

Ambry Genetics
Classification: Uncertain significance for Hereditary cancer-predisposing syndrome. Last evaluated: 2021-12-08. Review status: criteria provided, single submitter. Criteria: Ambry Variant Classification Scheme 2023. Collection method: clinical testing. Allele origin: germline.
Comment: The p.G501E variant (also known as c.1502G>A), located in coding exon 5 of the AXIN2 gene, results from a G to A substitution at nucleotide position 1502. The glycine at codon 501 is replaced by glutamic acid, an amino acid with similar properties. This amino acid position is conserved. In addition, this alteration is predicted to be tolerated by in silico analysis. Since supporting evidence is limited at this time, the clinical significance of this alteration remains unclear.

Labcorp Genetics (formerly Invitae), Labcorp
Classification: Uncertain significance for Oligodontia-cancer predisposition syndrome. Last evaluated: 2021-10-07. Review status: criteria provided, single submitter. Criteria: Invitae Variant Classification Sherloc (09022015). Collection method: clinical testing. Allele origin: germline.
Comment: This sequence change replaces glycine with glutamic acid at codon 501 of the AXIN2 protein (p.Gly501Glu). The glycine residue is moderately conserved and there is a moderate physicochemical difference between glycine and glutamic acid. This variant is present in population databases (rs779029020, ExAC 0.01%). This variant has not been reported in the literature in individuals affected with AXIN2-related conditions. Algorithms developed to predict the effect of missense changes on protein structure and function (SIFT, PolyPhen-2, Align-GVGD) all suggest that this variant is likely to be tolerated. In summary, the available evidence is currently insufficient to determine the role of this variant in disease. Therefore, it has been classified as a Variant of Uncertain Significance.

NM_004655.4(AXIN2):c.1502G>A (p.Gly501Glu)

Gene: AXIN2 (axin 2; minus strand). Cytogenetic location: 17q24.1.
Variant type: single nucleotide variant.
Coding change: c.1502G>A on transcript NM_004655.4 (MANE Select); coding-DNA position 1502, G replaced by A.
Protein change: p.Gly501Glu; replaces glycine 501 with glutamic acid.
Molecular consequence: missense variant.
Genome position (GRCh38, 1-based): chr17:65,537,534, C>T on the plus strand (G>A on the coding strand, the complement: AXIN2 is on the minus strand). VCF-style: chr17-65537534-C-T. GRCh37 (hg19) VCF-style: chr17-63533652-C-T.
Other names: c.1502G>A (LRG_296t1); c.1502G>A, p.Gly501Glu (NM_001363813.1); short protein forms G501E.
Identifiers: ClinVar variation 533150 (VCV000533150.8), dbSNP rs779029020, ClinGen allele CA8718627.